The following is an entry in ClinVar:

NM_001042424.3(NSD2):c.2169C>G (p.Ser723Arg)

Gene: NSD2 (nuclear receptor binding SET domain protein 2; plus strand). Cytogenetic location: 4p16.3.
Variant type: single nucleotide variant.
Coding change: c.2169C>G on transcript NM_001042424.3 (MANE Select); coding-DNA position 2169, C replaced by G.
Protein change: p.Ser723Arg; replaces serine 723 with arginine.
Molecular consequence: missense variant.
Genome position (GRCh38, 1-based): chr4:1,953,355, C>G. VCF-style: chr4-1953355-C-G. GRCh37 (hg19) VCF-style: chr4-1955082-C-G.
Other names: c.2169C>G, p.Ser723Arg (NM_133330.3, NM_133331.3, NM_133335.4); c.2169C>G (NM_133330.2); short protein forms S723R.
Identifiers: ClinVar variation 2188156 (VCV002188156.5), dbSNP rs762870190, ClinGen allele CA2812416.
Genomic context (GRCh38, chr4:1,953,355, plus strand): 5'-TCTCCACCCCTTCTTTAACTTTTTGTTAGGGATTCACTCATGTTTCGTGTGTAAAGAGAG[C>G]AAGACAGATGTTAAGCGCTGTGTGGTAACTCAGTGTGGAAAATTTTACCATGAGGCTTGT-3'
Protein context (NP_001035889.1, residues 713-733): GIHSCFVCKE[Ser723Arg]KTDVKRCVVT

ClinVar aggregate classification (germline): Conflicting classifications of pathogenicity. Review status: criteria provided, conflicting classifications (1 of 4 stars). 2 submissions from 2 submitters: Uncertain significance (1); Likely benign (1). Last evaluated 2024-03-30.

Conditions:
Inborn genetic diseases. Identifiers: MedGen C0950123, MeSH D030342.

Allele frequency attached by ClinVar (database versions not stated): TOPMed 0.00004; ExAC 0.00006; gnomAD 0.00007; gnomAD exomes 0.00010.
gnomAD v4.1: 158 of 1,614,110 alleles (0.0098%); highest among the groups gnomAD compares: Non-Finnish European, 0.012%; no homozygotes.

Submissions (2):

Ambry Genetics
Classification: Likely benign for Inborn genetic diseases. Last evaluated: 2024-03-30. Review status: criteria provided, single submitter. Criteria: Ambry Variant Classification Scheme 2023. Collection method: clinical testing. Allele origin: germline.

Labcorp Genetics (formerly Invitae), Labcorp
Classification: Uncertain significance. Last evaluated: 2022-09-03. Review status: criteria provided, single submitter. Criteria: Invitae Variant Classification Sherloc (09022015). Collection method: clinical testing. Allele origin: germline.
Comment: In summary, the available evidence is currently insufficient to determine the role of this variant in disease. Therefore, it has been classified as a Variant of Uncertain Significance. Algorithms developed to predict the effect of missense changes on protein structure and function (SIFT, PolyPhen-2, Align-GVGD) all suggest that this variant is likely to be tolerated. This variant has not been reported in the literature in individuals affected with WHSC1-related conditions. This variant is present in population databases (rs762870190, gnomAD 0.009%). This sequence change replaces serine, which is neutral and polar, with arginine, which is basic and polar, at codon 723 of the WHSC1 protein (p.Ser723Arg).